The following is an entry in ClinVar:

ClinVar aggregate classification (germline): Pathogenic (1 of 4 stars; one submission).

Submission:

GeneDx
Classification: Pathogenic. Last evaluated: 2022-08-22. Review status: criteria provided, single submitter. Criteria: GeneDx Variant Classification Process June 2021. Collection method: clinical testing. Allele origin: germline. Affected: yes.
Comment: Frameshift variant predicted to result in protein truncation or nonsense mediated decay in a gene for which loss-of-function is a known mechanism of disease; Not observed at significant frequency in large population cohorts (gnomAD); Has not been previously published as pathogenic or benign to our knowledge

NM_013275.6(ANKRD11):c.1536dup (p.Ser513fs)

Gene: ANKRD11 (ankyrin repeat domain containing 11; minus strand). Cytogenetic location: 16q24.3.
Variant type: Duplication.
Coding change: c.1536dup on transcript NM_013275.6 (MANE Select); coding-DNA position 1536, one base duplicated (C; older notation c.1536dupC).
Protein change: p.Ser513fs; shifts the reading frame from serine 513.
Molecular consequence: frameshift variant.
Genome position (GRCh38, 1-based): chr16:89,285,006, G duplicated on the plus strand (C on the coding strand, the reverse complement: ANKRD11 is on the minus strand); the first of 4 consecutive G bases (chr16:89,285,006-89,285,009); duplicating any one gives the same sequence. VCF-style (leftmost placement, unchanged base first): chr16-89285005-A-AG. GRCh37 (hg19) VCF-style: chr16-89351413-A-AG.
Other names: c.1536dup, p.Ser513fs (NM_001256182.2, NM_001256183.2); short protein forms S513fs.
Identifiers: ClinVar variation 1702669 (VCV001702669.2), dbSNP rs2151763931, ClinGen allele CA2580092264.